The following is an entry in ClinVar:

NM_001377.3(DYNC2H1):c.617del (p.Ala206fs)

Gene: DYNC2H1 (dynein cytoplasmic 2 heavy chain 1; plus strand). Cytogenetic location: 11q22.3.
Variant type: Deletion.
Coding change: c.617del on transcript NM_001377.3 (MANE Select); coding-DNA position 617, one base deleted (C; older notation c.617delC).
Protein change: p.Ala206fs; shifts the reading frame from alanine 206.
Molecular consequence: frameshift variant.
Genome position (GRCh38, 1-based): chr11:103,115,291, C deleted. VCF-style (leftmost placement, unchanged base first): chr11-103115290-GC-G. GRCh37 (hg19) VCF-style: chr11-102986019-GC-G.
Other names: c.617del, p.Ala206fs (NM_001080463.2); short protein forms A206fs.
Identifiers: ClinVar variation 5014702 (VCV005014702.1).

ClinVar aggregate classification (germline): Pathogenic (1 of 4 stars; one submission).

Conditions:
Asphyxiating thoracic dystrophy 3. Also called: SHORT-RIB THORACIC DYSPLASIA 3 WITH OR WITHOUT POLYDACTYLY; POLYDACTYLY WITH NEONATAL CHONDRODYSTROPHY, TYPE I; SHORT-RIB THORACIC DYSPLASIA 3/6 WITH POLYDACTYLY, DIGENIC; Short rib polydactyly syndrome 2B; Saldino-Noonan Syndrome. Identifiers: Orphanet 474, Orphanet 93269, Orphanet 93270, Orphanet 93271, MedGen C0036069, MONDO:0013127, OMIM 613091.

Submission:

Myriad Genetics, Inc.
Classification: Pathogenic for Asphyxiating thoracic dystrophy 3. Last evaluated: 2025-07-09. Review status: criteria provided, single submitter. Criteria: Myriad Autosomal Dominant, Autosomal Recessive and X-Linked Classification Criteria (2023). Collection method: clinical testing. Allele origin: unknown.
Comment: NM_001377.2(DYNC2H1):c.617delC(A206Efs*13) is expected to be pathogenic in the context of DYNC2H1-related disorders. This variant is predicted to lead to an abnormal or absent protein product due to the creation of a premature termination codon in DYNC2H1, a gene where loss-of-function variants are known to be pathogenic. Please note: this variant was assessed in the context of healthy population screening.